The following is an entry in ClinVar:

ClinVar aggregate classification (germline): Benign/Likely benign. Review status: criteria provided, multiple submitters, no conflicts (2 of 4 stars). 9 submissions from 9 submitters: Benign (4); Likely benign (2). 3 of the submissions do not count toward it. Last evaluated 2026-02-04.

Conditions:
Microcephaly 3, primary, autosomal recessive. Identifiers: Orphanet 2512, MedGen C1858108, MONDO:0011488, OMIM 604804.

Allele frequency attached by ClinVar (database versions not stated): 1000 Genomes Project 0.07528; 1000 Genomes Project 30x 0.07620; TOPMed 0.07970; ESP Exome Variant Server 0.08119.
gnomAD v4.1: 57,851 of 1,613,972 alleles (3.6%); highest among the groups gnomAD compares: African/African-American, 19%; 2,029 homozygotes.

Submissions (9):

Labcorp Genetics (formerly Invitae), Labcorp
Classification: Benign. Last evaluated: 2026-02-04. Review status: criteria provided, single submitter. Criteria: Invitae Variant Classification Sherloc (09022015). Collection method: clinical testing. Allele origin: germline.

Blueprint Genetics
Classification: Likely benign. Last evaluated: 2024-11-27. Review status: criteria provided, single submitter. Criteria: ACMG Guidelines, 2015. Collection method: clinical testing. Allele origin: germline.

GeneDx
Classification: Benign. Last evaluated: 2014-04-28. Review status: criteria provided, single submitter. Criteria: GeneDx Variant Classification (06012015). Collection method: clinical testing. Allele origin: germline. Affected: yes.
Comment: This variant is considered likely benign or benign based on one or more of the following criteria: it is a conservative change, it occurs at a poorly conserved position in the protein, it is predicted to be benign by multiple in silico algorithms, and/or has population frequency not consistent with disease.

Genetic Services Laboratory, University of Chicago
Classification: Benign. Last evaluated: 2013-02-08. Review status: criteria provided, single submitter. Criteria: ACMG Guidelines, 2007. Collection method: clinical testing. Allele origin: germline. Inheritance: Autosomal recessive inheritance.

Breakthrough Genomics
Classification: Likely benign. Review status: criteria provided, single submitter. Criteria: ACMG Guidelines, 2015. Collection method: not provided. Allele origin: germline. Inheritance: Autosomal recessive inheritance. Affected: yes.

PreventionGenetics, part of Exact Sciences
Classification: Benign. Review status: criteria provided, single submitter. Criteria: ACMG Guidelines, 2015. Collection method: clinical testing. Allele origin: germline.

Clinical Genetics DNA and cytogenetics Diagnostics Lab, Erasmus MC, Erasmus Medical Center
Classification: Benign. Review status: no assertion criteria provided. Collection method: clinical testing. Allele origin: germline. Affected: yes. Study: VKGL Data-share Consensus. Not counted in ClinVar's aggregate classification.

GeneReviews
No classification provided. Condition: Microcephaly 3, primary, autosomal recessive. Review status: no classification provided. Collection method: literature only. Allele origin: unknown. Not counted in ClinVar's aggregate classification.

Joint Genome Diagnostic Labs from Nijmegen and Maastricht, Radboudumc and MUMC+
Classification: Benign. Review status: no assertion criteria provided. Collection method: clinical testing. Allele origin: germline. Affected: yes. Study: VKGL Data-share Consensus. Not counted in ClinVar's aggregate classification.

Literature cited by the submitters: PubMed 20301772 (cited by GeneReviews); NCBI Bookshelf NBK9587 (cited by GeneReviews).

NM_018249.6(CDK5RAP2):c.3134G>C (p.Arg1045Thr)

Gene: CDK5RAP2 (CDK5 regulatory subunit associated protein 2; minus strand). Cytogenetic location: 9q33.2.
Variant type: single nucleotide variant.
Coding change: c.3134G>C on transcript NM_018249.6 (MANE Select); coding-DNA position 3134, G replaced by C.
Protein change: p.Arg1045Thr; replaces arginine 1045 with threonine.
Molecular consequence: missense variant. On other transcripts: non-coding transcript variant (5).
Genome position (GRCh38, 1-based): chr9:120,443,634, C>G on the plus strand (G>C on the coding strand, the complement: CDK5RAP2 is on the minus strand). VCF-style: chr9-120443634-C-G. GRCh37 (hg19) VCF-style: chr9-123205912-C-G.
Other names: p.R1045T:AGA>ACA; c.3134G>C, p.Arg1045Thr (NM_001011649.3); c.2444G>C, p.Arg815Thr (NM_001272039.2); short protein forms R1045T, R815T.
Identifiers: ClinVar variation 21646 (VCV000021646.23), dbSNP rs3780679, ClinGen allele CA171575.